The following is an entry in ClinVar:

NM_001283009.2(RTEL1):c.2090G>A (p.Arg697Gln)

Genes: RTEL1 (regulator of telomere elongation helicase 1; plus strand), RTEL1-TNFRSF6B (RTEL1-TNFRSF6B readthrough (NMD candidate); plus strand). Cytogenetic location: 20q13.33.
Variant type: single nucleotide variant.
Coding change: c.2090G>A on transcript NM_001283009.2 (MANE Select); coding-DNA position 2090, G replaced by A.
Protein change: p.Arg697Gln; replaces arginine 697 with glutamine.
Molecular consequence: missense variant. On other transcripts: non-coding transcript variant (1).
Genome position (GRCh38, 1-based): chr20:63,689,814, G>A. VCF-style: chr20-63689814-G-A. GRCh37 (hg19) VCF-style: chr20-62321167-G-A.
Other names: c.1421G>A, p.Arg474Gln (NM_001283010.1); c.2090G>A, p.Arg697Gln (NM_016434.4); c.2162G>A, p.Arg721Gln (NM_032957.5); short protein forms R697Q, R474Q, R721Q.
Identifiers: ClinVar variation 4783472 (VCV004783472.1).

ClinVar aggregate classification (germline): Uncertain significance (1 of 4 stars; one submission).

Conditions:
Pulmonary fibrosis and/or bone marrow failure, Telomere-related, 3. Also called: PULMONARY FIBROSIS AND/OR BONE MARROW FAILURE SYNDROME, TELOMERE-RELATED, 3. Identifiers: Orphanet 2032, MedGen C4225346, MONDO:0014613, OMIM 616373.
Dyskeratosis congenita, autosomal recessive 5 (DKCB5). Identifiers: MedGen C3554656, MONDO:0014076, OMIM 615190.

gnomAD v4.1: 5 of 1,611,976 alleles (0.00031%); highest among the groups gnomAD compares: South Asian, 0.0011%; no homozygotes.

Submission:

Labcorp Genetics (formerly Invitae), Labcorp
Classification: Uncertain significance for Dyskeratosis congenita, autosomal recessive 5; Pulmonary fibrosis and/or bone marrow failure, Telomere-related, 3. Last evaluated: 2025-10-07. Review status: criteria provided, single submitter. Criteria: Invitae Variant Classification Sherloc (09022015). Collection method: clinical testing. Allele origin: germline.
Comment: This sequence change replaces arginine, which is basic and polar, with glutamine, which is neutral and polar, at codon 697 of the RTEL1 protein (p.Arg697Gln). This variant is not present in population databases (gnomAD no frequency). This variant has not been reported in the literature in individuals affected with RTEL1-related conditions. An algorithm developed to predict the effect of missense changes on protein structure and function (PolyPhen-2) suggests that this variant is likely to be disruptive. In summary, the available evidence is currently insufficient to determine the role of this variant in disease. Therefore, it has been classified as a Variant of Uncertain Significance.